The following is an entry in ClinVar:

NM_201253.3(CRB1):c.1712A>C (p.Glu571Ala)

Gene: CRB1 (crumbs cell polarity complex component 1; plus strand). Cytogenetic location: 1q31.3.
Variant type: single nucleotide variant.
Coding change: c.1712A>C on transcript NM_201253.3 (MANE Select); coding-DNA position 1712, A replaced by C.
Protein change: p.Glu571Ala; replaces glutamic acid 571 with alanine.
Molecular consequence: missense variant. On other transcripts: non-coding transcript variant (2).
Genome position (GRCh38, 1-based): chr1:197,421,540, A>C. VCF-style: chr1-197421540-A-C. GRCh37 (hg19) VCF-style: chr1-197390670-A-C.
Other names: c.1376A>C, p.Glu459Ala (NM_001193640.2); c.1505A>C, p.Glu502Ala (NM_001257965.2); c.1712A>C, p.Glu571Ala (NM_001257966.2); short protein forms E571A, E502A, E459A.
Identifiers: ClinVar variation 438071 (VCV000438071.5), dbSNP rs773233587, ClinGen allele CA35893672.
Genomic context (GRCh38, chr1:197,421,540, plus strand): 5'-AGTCAAAGGTGCTTCTGTTCATTTCCCACAACACCAGCGATGGAGAGTGGCATTTCGTGG[A>C]GGTAATATTTGCAGAGGCTGTGACCCTTACCTTAATCGACGACTCCTGTAAGGAGAAATG-3'
Protein context (NP_957705.1, residues 561-581): NTSDGEWHFV[Glu571Ala]VIFAEAVTLT

ClinVar aggregate classification (germline): Uncertain significance. Review status: criteria provided, multiple submitters, no conflicts (2 of 4 stars). 3 submissions from 3 submitters: Uncertain significance (2). 1 of the submissions does not count toward it. Last evaluated 2024-04-26.

Conditions:
Retinitis pigmentosa 12 (RP12). Also called: RP WITH OR WITHOUT PPRPE; RP WITH OR WITHOUT PRESERVED PARAARTERIOLE RETINAL PIGMENT EPITHELIUM; RETINITIS PIGMENTOSA WITH OR WITHOUT PARAARTERIOLAR PRESERVATION OF RETINAL PIGMENT EPITHELIUM. Identifiers: Orphanet 791, MedGen C1838647, MONDO:0010818, OMIM 600105.
Leber congenital amaurosis 8 (LCA8). Identifiers: Orphanet 65, MedGen C3151202, MONDO:0013453, OMIM 613835.
Retinal dystrophy. Also called: Inherited retinal dystrophy. Identifiers: Orphanet 71862, MedGen C0854723, MeSH D058499, MONDO:0019118, HP:0000556.

Allele frequency attached by ClinVar (database versions not stated): gnomAD exomes below 0.00001 and 0.00002.
gnomAD v4.1: 24 of 1,614,208 alleles (0.0015%); highest among the groups gnomAD compares: Non-Finnish European, 0.002%; no homozygotes.

Submissions (3):

Women's Health and Genetics/Laboratory Corporation of America, LabCorp
Classification: Uncertain significance. Last evaluated: 2024-04-26. Review status: criteria provided, single submitter. Criteria: LabCorp Variant Classification Summary - May 2015. Collection method: clinical testing. Allele origin: germline.
Comment: Variant summary: CRB1 c.1712A>C (p.Glu571Ala) results in a non-conservative amino acid change located in the Laminin G domain (IPR001791) of the encoded protein sequence. Four of five in-silico tools predict a damaging effect of the variant on protein function. The variant allele was found at a frequency of 4e-06 in 251168 control chromosomes. c.1712A>C has been reported in the compound heterozygous state together with a pathogenic variant in the literature in at least 2 individuals affected with inherited retinal dystrophies (e.g. Carss_2017, Daich Varela_2023, Rodriguez_2023, Turro_2020). This variant was also found in trans with a pathogenic variant in one individual with macular dystrophy (age of onset unknown), however age-related macular degeneration was not ruled out (Weisschuh_2024). These data indicate that the variant may be associated with disease. To our knowledge, no experimental evidence demonstrating an impact on protein function has been reported. The following publications have been ascertained in the context of this evaluation (PMID: 28041643, 36099972, 37762234, 32581362, 37734845). ClinVar contains an entry for this variant (Variation ID: 438071). Based on the evidence outlined above, the variant was classified as VUS-possibly pathogenic.

Labcorp Genetics (formerly Invitae), Labcorp
Classification: Uncertain significance for Leber congenital amaurosis 8; Retinitis pigmentosa 12. Last evaluated: 2022-03-21. Review status: criteria provided, single submitter. Criteria: Invitae Variant Classification Sherloc (09022015). Collection method: clinical testing. Allele origin: germline.
Comment: This sequence change replaces glutamic acid, which is acidic and polar, with alanine, which is neutral and non-polar, at codon 571 of the CRB1 protein (p.Glu571Ala). This variant is present in population databases (rs773233587, gnomAD 0.0009%). This missense change has been observed in individual(s) with inherited retinal dystrophy (PMID: 28041643, 32581362). ClinVar contains an entry for this variant (Variation ID: 438071). Advanced modeling of protein sequence and biophysical properties (such as structural, functional, and spatial information, amino acid conservation, physicochemical variation, residue mobility, and thermodynamic stability) performed at Invitae indicates that this missense variant is expected to disrupt CRB1 protein function. In summary, the available evidence is currently insufficient to determine the role of this variant in disease. Therefore, it has been classified as a Variant of Uncertain Significance.

NIHR Bioresource Rare Diseases, University of Cambridge
Classification: Likely pathogenic for Retinal dystrophy. Last evaluated: 2015-01-01. Review status: no assertion criteria provided. Collection method: research. Allele origin: unknown. Affected: yes. Observed: 1 variant allele. Not counted in ClinVar's aggregate classification.

Literature cited by the submitters: PubMed 28041643 (cited by 3 submitters); PubMed 32581362 (cited by Women's Health and Genetics/Laboratory Corporation of America, LabCorp and Labcorp Genetics (formerly Invitae), Labcorp); PubMed 36099972 (cited by Women's Health and Genetics/Laboratory Corporation of America, LabCorp); PubMed 37734845 (cited by Women's Health and Genetics/Laboratory Corporation of America, LabCorp); PubMed 37762234 (cited by Women's Health and Genetics/Laboratory Corporation of America, LabCorp).